The following is an entry in ClinVar:

NM_024496.4(IRF2BPL):c.1998_2025del (p.Pro667fs)

Gene: IRF2BPL (interferon regulatory factor 2 binding protein like; minus strand). Cytogenetic location: 14q24.3.
Variant type: Deletion.
Coding change: c.1998_2025del on transcript NM_024496.4 (MANE Select); coding-DNA positions 1998 to 2025, 28 bases deleted (GCCGGGGCAGCGCCGCTTGGCATCACGT).
Protein change: p.Pro667fs; shifts the reading frame from proline 667.
Molecular consequence: frameshift variant.
Genome position (GRCh38, 1-based): chr14:77,025,768-77,025,795, ACGTGATGCCAAGCGGCGCTGCCCCGGC deleted on the plus strand (GCCGGGGCAGCGCCGCTTGGCATCACGT on the coding strand, the reverse complement: IRF2BPL is on the minus strand); deleting any 28 consecutive bases within chr14:77,025,768-77,025,798 gives the same sequence; the c. name uses the placement nearest the transcript's 3' end. VCF-style (leftmost placement, unchanged base first): chr14-77025767-TACGTGATGCCAAGCGGCGCTGCCCCGGC-T. GRCh37 (hg19) VCF-style: chr14-77492110-TACGTGATGCCAAGCGGCGCTGCCCCGGC-T.
Other names: short protein forms P667fs.
Identifiers: ClinVar variation 4854895 (VCV004854895.1).

ClinVar aggregate classification (germline): Likely pathogenic (1 of 4 stars; one submission).

Conditions:
Neurodevelopmental disorder with regression, abnormal movements, loss of speech, and seizures. Identifiers: Orphanet 597623, MedGen C4748127, MONDO:0060759, OMIM 618088.

Submission:

3billion
Classification: Likely pathogenic for Neurodevelopmental disorder with regression, abnormal movements, loss of speech, and seizures. Last evaluated: 2025-05-30. Review status: criteria provided, single submitter. Criteria: ACMG Guidelines, 2015. Collection method: clinical testing. Allele origin: germline. Affected: yes.
Comment: The variant is not observed in the gnomAD v4.1.0 dataset. Predicted Consequence/Location: Frameshift: predicted to result in a loss or disruption of normal protein function through protein truncation. The predicted truncated protein may be shortened by more than 10%. Therefore, this variant is classified as Likely pathogenic according to the recommendation of ACMG/AMP guideline.